The following is an entry in ClinVar:

NM_001001331.4(ATP2B2):c.2920G>T (p.Glu974Ter)

Gene: ATP2B2 (ATPase plasma membrane Ca2+ transporting 2; minus strand). Cytogenetic location: 3p25.3.
Variant type: single nucleotide variant.
Coding change: c.2920G>T on transcript NM_001001331.4 (MANE Select); coding-DNA position 2920, G replaced by T.
Protein change: p.Glu974Ter; replaces glutamic acid 974 with a stop codon.
Molecular consequence: nonsense.
Genome position (GRCh38, 1-based): chr3:10,340,702, C>A on the plus strand (G>T on the coding strand, the complement: ATP2B2 is on the minus strand). VCF-style: chr3-10340702-C-A. GRCh37 (hg19) VCF-style: chr3-10382386-C-A.
Other names: c.2785G>T, p.Glu929Ter (NM_001330611.3, NM_001353564.1, NM_001363862.1 and 1 more transcripts); short protein forms E974*, E929*.
Identifiers: ClinVar variation 2006763 (VCV002006763.4), dbSNP rs1363070884, ClinGen allele CA351776880.

ClinVar aggregate classification (germline): Pathogenic (1 of 4 stars; one submission).

Submission:

Labcorp Genetics (formerly Invitae), Labcorp
Classification: Pathogenic. Last evaluated: 2023-10-13. Review status: criteria provided, single submitter. Criteria: Invitae Variant Classification Sherloc (09022015). Collection method: clinical testing. Allele origin: germline.
Comment: This sequence change creates a premature translational stop signal (p.Glu929*) in the ATP2B2 gene. It is expected to result in an absent or disrupted protein product. Loss-of-function variants in ATP2B2 are known to be pathogenic (PMID: 30535804). This variant is not present in population databases (gnomAD no frequency). This variant has not been reported in the literature in individuals affected with ATP2B2-related conditions. ClinVar contains an entry for this variant (Variation ID: 2006763). Algorithms developed to predict the effect of sequence changes on RNA splicing suggest that this variant may create or strengthen a splice site. For these reasons, this variant has been classified as Pathogenic.

Literature cited by the submitters: PubMed 30535804.